The following is an entry in ClinVar:

ClinVar aggregate classification (germline): Likely benign (1 of 4 stars; one submission).

Allele frequency attached by ClinVar (database versions not stated): gnomAD 0.00022; TOPMed 0.00023; ESP Exome Variant Server 0.00031; ExAC 0.00035; 1000 Genomes Project 0.00040; gnomAD exomes 0.00049; 1000 Genomes Project 30x 0.00062.

Submission:

CeGaT Center for Human Genetics Tuebingen
Classification: Likely benign. Last evaluated: 2022-12-01. Review status: criteria provided, single submitter. Criteria: CeGaT Center For Human Genetics Tuebingen Variant Classification Criteria Version 2. Collection method: clinical testing. Allele origin: germline. Affected: yes. Observed: 1 variant allele.
Comment: QSOX1: BP4, BP7

NM_002826.5(QSOX1):c.1326C>T (p.Tyr442=)

Gene: QSOX1 (quiescin sulfhydryl oxidase 1; plus strand). Cytogenetic location: 1q25.2.
Variant type: single nucleotide variant.
Coding change: c.1326C>T on transcript NM_002826.5 (MANE Select); coding-DNA position 1326, C replaced by T.
Protein change: p.Tyr442=; no amino-acid change (tyrosine 442 retained).
Molecular consequence: synonymous variant.
Genome position (GRCh38, 1-based): chr1:180,194,250, C>T. VCF-style: chr1-180194250-C-T. GRCh37 (hg19) VCF-style: chr1-180163385-C-T.
Other names: c.1326C>T, p.Tyr442= (NM_001004128.3).
Identifiers: ClinVar variation 2639601 (VCV002639601.24), dbSNP rs148289660, ClinGen allele CA1271482.